The following is an entry in ClinVar:

NM_001374353.1(GLI2):c.2569G>C (p.Gly857Arg)

Gene: GLI2 (GLI family zinc finger 2; plus strand). Cytogenetic location: 2q14.2.
Variant type: single nucleotide variant.
Coding change: c.2569G>C on transcript NM_001374353.1 (MANE Select); coding-DNA position 2569, G replaced by C.
Protein change: p.Gly857Arg; replaces glycine 857 with arginine.
Molecular consequence: missense variant.
Genome position (GRCh38, 1-based): chr2:120,988,534, G>C. VCF-style: chr2-120988534-G-C. GRCh37 (hg19) VCF-style: chr2-121746110-G-C.
Other names: c.2620G>C, p.Gly874Arg (NM_001371271.1, NM_005270.5); c.2194G>C, p.Gly732Arg (NM_001374354.1); short protein forms G732R, G857R, G874R.
Identifiers: ClinVar variation 1801200 (VCV001801200.1), dbSNP rs749232196, ClinGen allele CA348168360.

ClinVar aggregate classification (germline): Uncertain significance (1 of 4 stars; one submission).

Submission:

GeneDx
Classification: Uncertain significance. Last evaluated: 2022-05-26. Review status: criteria provided, single submitter. Criteria: GeneDx Variant Classification Process June 2021. Collection method: clinical testing. Allele origin: germline. Affected: yes.
Comment: Not observed at significant frequency in large population cohorts (gnomAD); In silico analysis supports that this missense variant has a deleterious effect on protein structure/function; Has not been previously published as pathogenic or benign to our knowledge